The following is an entry in ClinVar:

NM_005670.4(EPM2A):c.973C>T (p.Arg325Cys)

Gene: EPM2A (EPM2A glucan phosphatase, laforin; minus strand). Cytogenetic location: 6q24.3.
Variant type: single nucleotide variant.
Coding change: c.973C>T on transcript NM_005670.4 (MANE Select); coding-DNA position 973, C replaced by T.
Protein change: p.Arg325Cys; replaces arginine 325 with cysteine.
Molecular consequence: missense variant. On other transcripts: 3 prime UTR variant (1), non-coding transcript variant (1), intron variant (1).
Genome position (GRCh38, 1-based): chr6:145,627,439, G>A on the plus strand (C>T on the coding strand, the complement: EPM2A is on the minus strand). VCF-style: chr6-145627439-G-A. GRCh37 (hg19) VCF-style: chr6-145948575-G-A.
Other names: c.*56C>T (NM_001360057.2); c.559C>T, p.Arg187Cys (NM_001360064.2, NM_001360071.2, NM_001368131.1); c.511C>T, p.Arg171Cys (NM_001368129.2, NM_001368132.1); c.924+49C>T (NM_001018041.2); short protein forms R325C, R171C, R187C.
Identifiers: ClinVar variation 850428 (VCV000850428.1), dbSNP rs746413047, ClinGen allele CA4035031.
Genomic context (GRCh38, chr6:145,627,439, plus strand): 5'-TAGGGAAATCAGGAGGGGGCAGAAGCAGGCTGACCAGCTACAGGCTACACACAGAAGAAC[G>A]AACCTTCCCAAATTTCTGGAAAAAATCTTCTTGTGCCCGGGCCAAGGCCTCTTCGTCAAT-3'
Protein context (NP_005661.1, residues 315-331): EDFFQKFGKV[Arg325Cys]SSVCSL

ClinVar aggregate classification (germline): Uncertain significance (1 of 4 stars; one submission).

Conditions:
Progressive myoclonic epilepsy. Also called: Familial progressive myoclonic epilepsy; Myoclonus epilepsy; Progressive myoclonus epilepsy; Myoclonic Epilepsies, Progressive. Identifiers: Orphanet 308, Orphanet 98261, MedGen C0751778, MONDO:0020074.

Allele frequency attached by ClinVar (database versions not stated): TOPMed below 0.00001; ExAC 0.00001; gnomAD exomes 0.00001.
gnomAD v4.1: 8 of 1,614,178 alleles (0.0005%); highest among the groups gnomAD compares: South Asian, 0.0033%; no homozygotes.

Submission:

Labcorp Genetics (formerly Invitae), Labcorp
Classification: Uncertain significance for Progressive myoclonic epilepsy. Last evaluated: 2019-11-20. Review status: criteria provided, single submitter. Criteria: Invitae Variant Classification Sherloc (09022015). Collection method: clinical testing. Allele origin: germline.
Comment: This sequence change replaces arginine with cysteine at codon 325 of the EPM2A protein (p.Arg325Cys). The arginine residue is moderately conserved and there is a large physicochemical difference between arginine and cysteine. This variant is present in population databases (rs746413047, ExAC 0.006%). This variant has not been reported in the literature in individuals with EPM2A-related conditions. Algorithms developed to predict the effect of missense changes on protein structure and function output the following: SIFT: "Deleterious"; PolyPhen-2: "Benign"; Align-GVGD: "Class C0". The cysteine amino acid residue is found in multiple mammalian species, suggesting that this missense change does not adversely affect protein function. These predictions have not been confirmed by published functional studies and their clinical significance is uncertain. In summary, the available evidence is currently insufficient to determine the role of this variant in disease. Therefore, it has been classified as a Variant of Uncertain Significance.